The following is an entry in ClinVar:

NM_000243.3(MEFV):c.1060C>T (p.Arg354Trp)

Gene: MEFV (MEFV innate immunity regulator, pyrin; minus strand). Cytogenetic location: 16p13.3.
Variant type: single nucleotide variant.
Coding change: c.1060C>T on transcript NM_000243.3 (MANE Select); coding-DNA position 1060, C replaced by T.
Protein change: p.Arg354Trp; replaces arginine 354 with tryptophan.
Molecular consequence: missense variant.
Genome position (GRCh38, 1-based): chr16:3,249,631, G>A on the plus strand (C>T on the coding strand, the complement: MEFV is on the minus strand). VCF-style: chr16-3249631-G-A. GRCh37 (hg19) VCF-style: chr16-3299631-G-A.
Other names: p.Arg354Trp; c.427C>T, p.Arg143Trp (NM_001198536.2); short protein forms R354W, R143W.
Identifiers: ClinVar variation 97430 (VCV000097430.14), dbSNP rs104895116, ClinGen allele CA280367.

ClinVar aggregate classification (germline): Conflicting classifications of pathogenicity. Review status: criteria provided, conflicting classifications (1 of 4 stars). 11 submissions from 9 submitters: Uncertain significance (7); Likely benign (2). 2 of the submissions do not count toward it. Last evaluated 2024-07-04.

Conditions:
Acute febrile neutrophilic dermatosis (AFND). Also called: Sweet Syndrome; Gomm Button disease. Identifiers: Orphanet 3243, MedGen C0085077, MONDO:0011959, OMIM 608068.
Familial Mediterranean fever (FMF). Also called: POLYSEROSITIS, FAMILIAL PAROXYSMAL; POLYSEROSITIS, RECURRENT; Periodic peritonitis; Benign paroxysmal peritonitis. Identifiers: Orphanet 342, MedGen C0031069, MONDO:0018088, OMIM 249100. Disease mechanism: gain of function.
Familial Mediterranean fever, autosomal dominant. Also called: FMF, AUTOSOMAL DOMINANT; Dominant Familial Mediterranean Fever. Identifiers: Orphanet 342, MedGen C1851347, MONDO:0007601, OMIM 134610.

Allele frequency attached by ClinVar (database versions not stated): gnomAD exomes 0.00003; TOPMed 0.00003; ExAC 0.00004; gnomAD 0.00004 and 0.00005.
gnomAD v4.1: 53 of 1,613,642 alleles (0.0033%); highest among the groups gnomAD compares: South Asian, 0.012%; no homozygotes.

Submissions (11):

Blueprint Genetics
Classification: Uncertain significance. Last evaluated: 2024-07-04. Review status: criteria provided, single submitter. Criteria: ACMG Guidelines, 2015. Collection method: clinical testing. Allele origin: germline.

Mayo Clinic Laboratories, Mayo Clinic
Classification: Uncertain significance. Last evaluated: 2023-02-24. Review status: criteria provided, single submitter. Criteria: ACMG Guidelines, 2015. Collection method: clinical testing. Allele origin: germline. Observed: 1 variant allele.
Comment: BP4, PM2_supporting, PS4_moderate

Genome-Nilou Lab
Classification: Uncertain significance for Familial Mediterranean fever. Last evaluated: 2023-02-08. Review status: criteria provided, single submitter. Criteria: ACMG Guidelines, 2015. Collection method: clinical testing. Allele origin: germline.

Genome-Nilou Lab
Classification: Likely benign for Familial Mediterranean fever, autosomal dominant. Last evaluated: 2023-02-08. Review status: criteria provided, single submitter. Criteria: ACMG Guidelines, 2015. Collection method: clinical testing. Allele origin: germline.

Genome-Nilou Lab
Classification: Likely benign for Acute febrile neutrophilic dermatosis. Last evaluated: 2023-02-08. Review status: criteria provided, single submitter. Criteria: ACMG Guidelines, 2015. Collection method: clinical testing. Allele origin: germline.

Department of Pathology and Laboratory Medicine, Sinai Health System
Classification: Uncertain significance for Familial Mediterranean fever, autosomal dominant; Familial Mediterranean fever; Acute febrile neutrophilic dermatosis. Last evaluated: 2022-03-21. Review status: criteria provided, single submitter. Criteria: ACMG Guidelines, 2015. Collection method: research. Allele origin: germline.

Labcorp Genetics (formerly Invitae), Labcorp
Classification: Uncertain significance for Familial Mediterranean fever. Last evaluated: 2022-01-16. Review status: criteria provided, single submitter. Criteria: Invitae Variant Classification Sherloc (09022015). Collection method: clinical testing. Allele origin: germline.
Comment: This sequence change replaces arginine, which is basic and polar, with tryptophan, which is neutral and slightly polar, at codon 354 of the MEFV protein (p.Arg354Trp). This variant is present in population databases (rs104895116, gnomAD 0.006%). This missense change has been observed in individual(s) with clinical features of familial Mediterranean fever (PMID: 14578331, 29735907, 32441320). ClinVar contains an entry for this variant (Variation ID: 97430). Algorithms developed to predict the effect of missense changes on protein structure and function are either unavailable or do not agree on the potential impact of this missense change (SIFT: "Deleterious"; PolyPhen-2: "Benign"; Align-GVGD: "Class C0"). In summary, the available evidence is currently insufficient to determine the role of this variant in disease. Therefore, it has been classified as a Variant of Uncertain Significance.

Fulgent Genetics
Classification: Uncertain significance for Familial Mediterranean fever, autosomal dominant; Familial Mediterranean fever; Acute febrile neutrophilic dermatosis. Last evaluated: 2021-07-08. Review status: criteria provided, single submitter. Criteria: ACMG Guidelines, 2015. Collection method: clinical testing. Allele origin: unknown.

Illumina Laboratory Services, Illumina
Classification: Uncertain significance for Familial Mediterranean fever. Last evaluated: 2017-04-27. Review status: criteria provided, single submitter. Criteria: ICSL Variant Classification Criteria 13 December 2019. Collection method: clinical testing. Allele origin: germline.
Comment: This variant was observed as part of a predisposition screen in an ostensibly healthy population. A literature search was performed for the gene, cDNA change, and amino acid change (where applicable). Publications were found based on this search. However, the evidence from the literature, in combination with allele frequency data from public databases where available, was not sufficient to rule this variant in or out of causing disease. Therefore, this variant is classified as a variant of unknown significance.

Natera, Inc.
Classification: Uncertain significance for Familial Mediterranean fever. Last evaluated: 2020-09-16. Review status: no assertion criteria provided. Collection method: clinical testing. Allele origin: germline. Not counted in ClinVar's aggregate classification.

Unité médicale des maladies autoinflammatoires, CHRU Montpellier
No classification provided. Condition: Familial Mediterranean fever. Review status: no classification provided. Collection method: not provided. Allele origin: unknown. Not counted in ClinVar's aggregate classification.

Literature cited by the submitters: PubMed 14578331 (cited by 3 submitters); PubMed 29599418 (cited by Mayo Clinic Laboratories, Mayo Clinic); PubMed 29735907 (cited by Mayo Clinic Laboratories, Mayo Clinic and Labcorp Genetics (formerly Invitae), Labcorp); PubMed 32441320 (cited by Mayo Clinic Laboratories, Mayo Clinic and Labcorp Genetics (formerly Invitae), Labcorp); PubMed 19790133 (cited by Illumina Laboratory Services, Illumina); PubMed 26247045 (cited by Illumina Laboratory Services, Illumina); PubMed 15502081 (cited by Illumina Laboratory Services, Illumina).